The following is an entry in ClinVar:

NM_002427.4(MMP13):c.439G>A (p.Asp147Asn)

Gene: MMP13 (matrix metallopeptidase 13; minus strand). Cytogenetic location: 11q22.2.
Variant type: single nucleotide variant.
Coding change: c.439G>A on transcript NM_002427.4 (MANE Select); coding-DNA position 439, G replaced by A.
Protein change: p.Asp147Asn; replaces aspartic acid 147 with asparagine.
Molecular consequence: missense variant.
Genome position (GRCh38, 1-based): chr11:102,954,530, C>T on the plus strand (G>A on the coding strand, the complement: MMP13 is on the minus strand). VCF-style: chr11-102954530-C-T. GRCh37 (hg19) VCF-style: chr11-102825259-C-T.
Other names: short protein forms D147N.
Identifiers: ClinVar variation 4707550 (VCV004707550.1).

ClinVar aggregate classification (germline): Uncertain significance (1 of 4 stars; one submission).

gnomAD v4.1: 8 of 1,613,492 alleles (0.0005%); highest among the groups gnomAD compares: East Asian, 0.0045%; no homozygotes.

Submission:

Labcorp Genetics (formerly Invitae), Labcorp
Classification: Uncertain significance. Last evaluated: 2025-03-13. Review status: criteria provided, single submitter. Criteria: Invitae Variant Classification Sherloc (09022015). Collection method: clinical testing. Allele origin: germline.
Comment: This sequence change replaces aspartic acid, which is acidic and polar, with asparagine, which is neutral and polar, at codon 147 of the MMP13 protein (p.Asp147Asn). This variant is present in population databases (rs368343121, gnomAD 0.007%). This variant has not been reported in the literature in individuals affected with MMP13-related conditions. Invitae Evidence Modeling of protein sequence and biophysical properties (such as structural, functional, and spatial information, amino acid conservation, physicochemical variation, residue mobility, and thermodynamic stability) indicates that this missense variant is not expected to disrupt MMP13 protein function with a negative predictive value of 80%. In summary, the available evidence is currently insufficient to determine the role of this variant in disease. Therefore, it has been classified as a Variant of Uncertain Significance.